The following is an entry in ClinVar:

NM_001211.6(BUB1B):c.1988C>G (p.Thr663Ser)

Gene: BUB1B (BUB1 mitotic checkpoint serine/threonine kinase B; plus strand). Cytogenetic location: 15q15.1.
Variant type: single nucleotide variant.
Coding change: c.1988C>G on transcript NM_001211.6 (MANE Select); coding-DNA position 1988, C replaced by G.
Protein change: p.Thr663Ser; replaces threonine 663 with serine.
Molecular consequence: missense variant.
Genome position (GRCh38, 1-based): chr15:40,206,437, C>G. VCF-style: chr15-40206437-C-G. GRCh37 (hg19) VCF-style: chr15-40498638-C-G.
Other names: short protein forms T663S.
Identifiers: ClinVar variation 3673887 (VCV003673887.2).

ClinVar aggregate classification (germline): Uncertain significance (1 of 4 stars; one submission).

Conditions:
Mosaic variegated aneuploidy syndrome 1 (MVA1). Also called: Warburton-Anyane-Yeboa syndrome. Identifiers: Orphanet 1052, MedGen C1850343, MONDO:0009759, OMIM 257300.

gnomAD v4.1: 1 of 1,614,186 alleles (0.000062%); highest among the groups gnomAD compares: Non-Finnish European, 0.000085%; no homozygotes.

Submission:

Labcorp Genetics (formerly Invitae), Labcorp
Classification: Uncertain significance for Mosaic variegated aneuploidy syndrome 1. Last evaluated: 2024-09-16. Review status: criteria provided, single submitter. Criteria: Invitae Variant Classification Sherloc (09022015). Collection method: clinical testing. Allele origin: germline.
Comment: This sequence change replaces threonine, which is neutral and polar, with serine, which is neutral and polar, at codon 663 of the BUB1B protein (p.Thr663Ser). This variant is not present in population databases (gnomAD no frequency). This variant has not been reported in the literature in individuals affected with BUB1B-related conditions. An algorithm developed to predict the effect of missense changes on protein structure and function (PolyPhen-2) suggests that this variant is likely to be tolerated. In summary, the available evidence is currently insufficient to determine the role of this variant in disease. Therefore, it has been classified as a Variant of Uncertain Significance.